The following is an entry in ClinVar:

NM_001267550.2(TTN):c.103705A>T (p.Lys34569Ter)

Genes: TTN (titin; minus strand), TTN-AS1 (TTN antisense RNA 1; plus strand). Cytogenetic location: 2q31.2.
Variant type: single nucleotide variant.
Coding change: c.103705A>T on transcript NM_001267550.2 (MANE Select); coding-DNA position 103705, A replaced by T.
Protein change: p.Lys34569Ter; replaces lysine 34569 with a stop codon.
Molecular consequence: nonsense.
Genome position (GRCh38, 1-based): chr2:178,532,910, T>A on the plus strand (A>T on the coding strand, the complement: TTN is on the minus strand). VCF-style: chr2-178532910-T-A. GRCh37 (hg19) VCF-style: chr2-179397637-T-A.
Other names: c.103705A>T (NM_001267550.1); c.98782A>T, p.Lys32928Ter (NM_001256850.1); c.76510A>T, p.Lys25504Ter (NM_003319.4); c.96001A>T, p.Lys32001Ter (NM_133378.4); c.76885A>T, p.Lys25629Ter (NM_133432.3); c.77086A>T, p.Lys25696Ter (NM_133437.4); short protein forms K32001*, K34569*, K25696*, K25504*, K25629*, K32928*.
Identifiers: ClinVar variation 499641 (VCV000499641.26), dbSNP rs1553490574, ClinGen allele CA349413691.

ClinVar aggregate classification (germline): Pathogenic/Likely pathogenic. Review status: criteria provided, multiple submitters, no conflicts (2 of 4 stars). 8 submissions from 8 submitters: Pathogenic (1); Likely pathogenic (7). Last evaluated 2026-06-21.

Conditions:
Cardiovascular phenotype. Identifiers: MedGen CN230736.
Primary familial dilated cardiomyopathy (FDC). Also called: Familial dilated cardiomyopathy; Hypokinetic dilated cardiomyopathy, familial. Identifiers: Orphanet 217607, MedGen C0340427, MONDO:0016333.
TTN-related disorder. Also called: TTN-related disorders; TTN-related condition; TTN-related disease.
Dilated cardiomyopathy 1G (CMD1G). Identifiers: Orphanet 154, MedGen C1858763, MONDO:0011400, OMIM 604145.
Autosomal recessive limb-girdle muscular dystrophy type 2J (LGMDR10). Also called: Limb-girdle muscular dystrophy, type 2J; MUSCULAR DYSTROPHY, LIMB-GIRDLE, AUTOSOMAL RECESSIVE 10. Identifiers: Orphanet 140922, MedGen C1837342, MONDO:0012127, OMIM 608807.

Allele frequency attached by ClinVar (database versions not stated): gnomAD exomes below 0.00001; TOPMed 0.00003.
gnomAD v4.1: 4 of 1,613,972 alleles (0.00025%); highest among the groups gnomAD compares: Non-Finnish European, 0.00034%; no homozygotes.

Submissions (8):

GeneDx
Classification: Pathogenic. Last evaluated: 2026-06-21. Review status: criteria provided, single submitter. Criteria: GeneDx Variant Classification Process June 2021. Collection method: clinical testing. Allele origin: germline.
Comment: Identified in patients with DCM referred for genetic testing at GeneDx and in published literature (PMID: 36264615); Not observed at significant frequency in large population cohorts (gnomAD); Nonsense variant predicted to result in protein truncation or nonsense mediated decay in a gene for which loss of function is a known mechanism of disease; This variant is associated with the following publications: (PMID: 36264615, 17444505, 32778822, 36637017, 38438525)

Ambry Genetics
Classification: Likely pathogenic for Cardiovascular phenotype. Last evaluated: 2026-04-03. Review status: criteria provided, single submitter. Criteria: Ambry Variant Classification Scheme 2023. Collection method: clinical testing. Allele origin: germline.
Comment: The p.K25504* variant (also known as c.76510A>T), located in coding exon 185 of the TTN gene, results from an A to T substitution at nucleotide position 76510. This exon is located in the M-band region of the N2-B isoform of the titin protein and is constitutively expressed in TTN transcripts (percent spliced in or PSI 100%). This variant is considered to be rare based on population cohorts in the Genome Aggregation Database (gnomAD). This variant was reported in individual(s) with features consistent with dilated cardiomyopathy (Bourfiss M et al. Circ Genom Precis Med. 2022 Dec;15(6):e003704; Ambry internal data). This variant is expected to result in loss of function by premature protein truncation or nonsense-mediated mRNA decay. While truncating variants in TTN are present in 1-3% of the general population, truncating variants in the M-band have been reported in association with autosomal recessive titinopathies, primarily presenting with skeletal myopathy phenotypes (Ceyhan-Birsoy O et al. Neurology. 2013 Oct 1;81(14):1205-14; De Cid R et al. Neurology. 2015;85(24):2126-35). Truncating variants in coding exon 185 of the M-band of the N2-B isoform have also been specifically associated with autosomal dominant dilated cardiomyopathy (Vatta M et al. Circ GenomPrecis Med. 2025 Feb:e004982). More generally, TTN truncating variants encoded in constitutive exons (PSI >90%) have been found to be significantly associated with dilated cardiomyopathy (DCM) regardless of their position, although truncating variants in the A-band are the most common cause of DCM (Herman DS et al. N. Engl. J. Med., 2012 Feb;366:619-28; Roberts AM et al. Sci Transl Med, 2015 Jan;7:270ra6; Schafer S et al. Nat. Genet., 2017 01;49:46-53; Akhtar MM et al. Circ Heart Fail, 2020 Oct;13:e006832; Massier M et al. Clin Genet, 2025 Jan). Based on the majority of available evidence to date, this variant is likely to be pathogenic.

Women's Health and Genetics/Laboratory Corporation of America, LabCorp
Classification: Likely pathogenic for Primary familial dilated cardiomyopathy. Last evaluated: 2025-05-06. Review status: criteria provided, single submitter. Criteria: LabCorp Variant Classification Summary - May 2015. Collection method: clinical testing. Allele origin: germline.
Comment: Variant summary: TTN c.96001A>T (p.Lys32001X) (also known as NM_001267550:c.103705A>T (p.Lys34569X)) results in a premature termination codon, predicted to cause a truncation of the encoded protein or absence of the protein due to nonsense mediated decay, which are commonly known mechanisms for disease. Loss of function variants in all TTN bands are strongly associated with a spectrum of autosomal recessive titinopathies when exon expression (proportion spliced in, PSI, 1=complete expression) in skeletal muscle is >0.1 (PMID: 36977548, 39198997, 29598826, 32778822, 29691892, 33449170, 36977548, internal data). In contrast, loss of function variants in all TTN bands are only strongly associated with autosomal dominant TTN-related cardiomyopathies if located in exons constitutively expressed (PSI >0.9) in cardiac muscle, excluding extreme C-terminal exons 359-363 (PMID: 25589632, 31216868, 32964742, 34662387, 27869827, Shetty et al., Nat Cardiovasc Res 2024,, internal data). This variant has a maximum skeletal muscle PSI of 0.942 and a maximum cardiac muscle PSI of 1. The variant was absent in 248902 control chromosomes. c.96001A>T has been observed in individual(s) affected with Dilated Cardiomyopathy. These data indicate that the variant may be associated with disease. To our knowledge, no experimental evidence demonstrating an impact on protein function has been reported. The following publication have been ascertained in the context of this evaluation (PMID: 36264615). ClinVar contains an entry for this variant (Variation ID: 499641). Based on the evidence outlined above, the variant was classified as likely pathogenic.

Labcorp Genetics (formerly Invitae), Labcorp
Classification: Likely pathogenic for Dilated cardiomyopathy 1G; Autosomal recessive limb-girdle muscular dystrophy type 2J. Last evaluated: 2025-03-03. Review status: criteria provided, single submitter. Criteria: Invitae Variant Classification Sherloc (09022015). Collection method: clinical testing. Allele origin: germline.
Comment: This sequence change creates a premature translational stop signal (p.Lys34569*) in the TTN gene. While this is not anticipated to result in nonsense mediated decay, it is expected to create a truncated TTN protein. This variant is not present in population databases (gnomAD no frequency). This premature translational stop signal has been observed in individual(s) with dilated cardiomyopathy (PMID: 36264615). ClinVar contains an entry for this variant (Variation ID: 499641). This variant is located in the M band of TTN (PMID: 25589632). Truncating variants in this region have been previously reported in individuals affected with autosomal dominant or autosomal recessive myopathy and muscular dystrophy (PMID: 18948003, 23975875, 24395473). Truncating variants in this region have also been identified in individuals affected with autosomal dominant dilated cardiomyopathy and/or cardio-related conditions (PMID: 27869827, 32964742, internal data). In summary, the currently available evidence indicates that the variant is pathogenic, but additional data are needed to prove that conclusively. Therefore, this variant has been classified as Likely Pathogenic.

Illumina Laboratory Services, Illumina
Classification: Likely pathogenic for Dilated cardiomyopathy 1G. Last evaluated: 2022-01-19. Review status: criteria provided, single submitter. Criteria: ICSLVariantClassificationCriteria RUGD 01 April 2020. Collection method: clinical testing. Allele origin: unknown.
Comment: The TTN c.103705A>T (p.Lys34569Ter) nonsense variant results in the substitution of lysine at amino acid position 34569 with a stop codon. Loss of normal protein function through either protein truncation or nonsense-mediated mRNA decay is expected. This variant is in the M-band in an exon that is highly expressed cardiac tissue (Roberts et al. 2015). In a meta-analysis of TTN truncating variants in DCM patients and controls, variants in this region were associated with an increased risk of developing DCM and related cardiovascular phenotypes (odds ratio 3.7) (Schafer et al. 2017). To our knowledge, this variant has not been reported in the peer-reviewed literature. This variant is not found in version 2.1.1 or version 3.1.2 of the Genome Aggregation Database. Based on the available evidence, the c.103705A>T (p.Lys34569Ter) variant is classified as likely pathogenic for dilated cardiomyopathy.

Revvity Omics, Revvity
Classification: Likely pathogenic. Last evaluated: 2020-04-07. Review status: criteria provided, single submitter. Criteria: ACMG Guidelines, 2015. Collection method: clinical testing. Allele origin: germline.

Blueprint Genetics
Classification: Likely pathogenic for TTN-related disorders. Last evaluated: 2019-03-29. Review status: criteria provided, single submitter. Criteria: ACMG Guidelines, 2015. Collection method: clinical testing. Allele origin: germline. Affected: yes. Observed: 1 variant allele.

Eurofins Ntd Llc (ga)
Classification: Likely pathogenic. Last evaluated: 2017-01-16. Review status: criteria provided, single submitter. Criteria: EGL Classification Definitions 2015. Collection method: clinical testing. Allele origin: germline. Observed: 1 variant allele, 1 heterozygote.

Literature cited by the submitters: PubMed 36264615 (cited by 3 submitters); PubMed 25589632 (cited by Labcorp Genetics (formerly Invitae), Labcorp and Illumina Laboratory Services, Illumina); PubMed 18948003 (cited by Labcorp Genetics (formerly Invitae), Labcorp); PubMed 23975875 (cited by Labcorp Genetics (formerly Invitae), Labcorp); PubMed 24395473 (cited by Labcorp Genetics (formerly Invitae), Labcorp); PubMed 27869827 (cited by Labcorp Genetics (formerly Invitae), Labcorp and Illumina Laboratory Services, Illumina); PubMed 32964742 (cited by Labcorp Genetics (formerly Invitae), Labcorp).